The following is an entry in ClinVar:

NM_018006.5(TRMU):c.-15T>C

Gene: TRMU (tRNA mitochondrial 2-thiouridylase; plus strand). Cytogenetic location: 22q13.31.
Variant type: single nucleotide variant.
Coding change: c.-15T>C on transcript NM_018006.5 (MANE Select); 15 bases upstream of the start codon, T replaced by C.
Molecular consequence: 5 prime UTR variant. On other transcripts: non-coding transcript variant (2).
Genome position (GRCh38, 1-based): chr22:46,335,750, T>C. VCF-style: chr22-46335750-T-C. GRCh37 (hg19) VCF-style: chr22-46731647-T-C.
Other names: c.-250T>C (NM_001282782.2); c.-269T>C (NM_001282783.2, NM_001282784.2); c.-15T>C (NM_001282785.2).
Identifiers: ClinVar variation 342005 (VCV000342005.6), dbSNP rs764076380, ClinGen allele CA10291893.

ClinVar aggregate classification (germline): Conflicting classifications of pathogenicity. Review status: criteria provided, conflicting classifications (1 of 4 stars). 3 submissions from 3 submitters: Uncertain significance (1); Likely benign (2). Last evaluated 2025-08-01.

Conditions:
TRMU-related disorder. Also called: TRMU-related condition.
Acute infantile liver failure due to synthesis defect of mtDNA-encoded proteins. Also called: LIVER FAILURE, INFANTILE, TRANSIENT; TRMU Deficiency; Liver failure acute infantile. Identifiers: Orphanet 217371, MedGen C3278664, MONDO:0013111, OMIM 613070.

Allele frequency attached by ClinVar (database versions not stated): gnomAD 0.00003; TOPMed 0.00004; gnomAD exomes 0.00013; ExAC 0.00029.
gnomAD v4.1: 24 of 1,548,424 alleles (0.0015%); highest among the groups gnomAD compares: Admixed American, 0.042%; no homozygotes.

Submissions (3):

PreventionGenetics, part of Exact Sciences
Classification: Likely benign for TRMU-related condition. Last evaluated: 2025-08-01. Review status: criteria provided, single submitter. Criteria: ACMG Guidelines, 2015. Collection method: clinical testing. Allele origin: germline.
Comment: This variant is classified as likely benign based on ACMG/AMP sequence variant interpretation guidelines (Richards et al. 2015 PMID: 25741868, with internal and published modifications).

Illumina Laboratory Services, Illumina
Classification: Uncertain significance for Acute infantile liver failure due to synthesis defect of mtDNA-encoded proteins. Last evaluated: 2018-01-13. Review status: criteria provided, single submitter. Criteria: ICSL Variant Classification Criteria 13 December 2019. Collection method: clinical testing. Allele origin: germline.

GeneDx
Classification: Likely benign. Last evaluated: 2017-08-04. Review status: criteria provided, single submitter. Criteria: GeneDx Variant Classification (06012015). Collection method: clinical testing. Allele origin: germline. Affected: yes.
Comment: This variant is considered likely benign or benign based on one or more of the following criteria: it is a conservative change, it occurs at a poorly conserved position in the protein, it is predicted to be benign by multiple in silico algorithms, and/or has population frequency not consistent with disease.